The following is an entry in ClinVar:

ClinVar aggregate classification (germline): Conflicting classifications of pathogenicity. Review status: criteria provided, conflicting classifications (1 of 4 stars). 6 submissions from 6 submitters: Uncertain significance (4); Likely benign (1). 1 of the submissions does not count toward it. Last evaluated 2024-12-13.

Conditions:
Inborn genetic diseases. Identifiers: MedGen C0950123, MeSH D030342.
3-methylcrotonyl-CoA carboxylase 1 deficiency (MCC1D). Also called: MCCD TYPE 1; METHYLCROTONYLGLYCINURIA TYPE I; MCC 1 deficiency; 3 Alpha methylcrotonylglycinuria 1. Identifiers: Orphanet 6, MedGen CN028786, MONDO:0008861, OMIM 210200.

Allele frequency attached by ClinVar (database versions not stated): TOPMed 0.00006; ESP Exome Variant Server 0.00008; gnomAD 0.00009 and 0.00011; gnomAD exomes 0.00009 and 0.00014; ExAC 0.00010.
gnomAD v4.1: 154 of 1,614,066 alleles (0.0095%); highest among the groups gnomAD compares: East Asian, 0.038%; no homozygotes.

Submissions (6):

Labcorp Genetics (formerly Invitae), Labcorp
Classification: Uncertain significance for 3-methylcrotonyl-CoA carboxylase 1 deficiency. Last evaluated: 2024-12-13. Review status: criteria provided, single submitter. Criteria: Invitae Variant Classification Sherloc (09022015). Collection method: clinical testing. Allele origin: germline.
Comment: This sequence change replaces glutamic acid, which is acidic and polar, with lysine, which is basic and polar, at codon 179 of the MCCC1 protein (p.Glu179Lys). This variant is present in population databases (rs201758122, gnomAD 0.2%). This missense change has been observed in individual(s) with a positive newborn screening result for MCCC1-related disease (internal data). ClinVar contains an entry for this variant (Variation ID: 641392). Invitae Evidence Modeling of protein sequence and biophysical properties (such as structural, functional, and spatial information, amino acid conservation, physicochemical variation, residue mobility, and thermodynamic stability) indicates that this missense variant is not expected to disrupt MCCC1 protein function with a negative predictive value of 80%. In summary, the available evidence is currently insufficient to determine the role of this variant in disease. Therefore, it has been classified as a Variant of Uncertain Significance.

Ambry Genetics
Classification: Likely benign for Inborn genetic diseases. Last evaluated: 2022-03-10. Review status: criteria provided, single submitter. Criteria: Ambry Variant Classification Scheme 2023. Collection method: clinical testing. Allele origin: germline.

GeneDx
Classification: Uncertain significance. Last evaluated: 2022-03-04. Review status: criteria provided, single submitter. Criteria: GeneDx Variant Classification Process June 2021. Collection method: clinical testing. Allele origin: germline. Affected: yes.
Comment: In silico analysis supports that this missense variant does not alter protein structure/function; Has not been previously published as pathogenic or benign to our knowledge

Revvity Omics, Revvity
Classification: Uncertain significance for 3-methylcrotonyl-CoA carboxylase 1 deficiency. Last evaluated: 2021-12-17. Review status: criteria provided, single submitter. Criteria: ACMG Guidelines, 2015. Collection method: clinical testing. Allele origin: germline.

Illumina Laboratory Services, Illumina
Classification: Uncertain significance for 3-methylcrotonyl-CoA carboxylase 1 deficiency. Last evaluated: 2018-01-13. Review status: criteria provided, single submitter. Criteria: ICSL Variant Classification Criteria 13 December 2019. Collection method: clinical testing. Allele origin: germline.

Natera, Inc.
Classification: Uncertain significance for 3-methylcrotonyl-CoA carboxylase 1 deficiency. Last evaluated: 2020-02-14. Review status: no assertion criteria provided. Collection method: clinical testing. Allele origin: germline. Not counted in ClinVar's aggregate classification.

NM_020166.5(MCCC1):c.535G>A (p.Glu179Lys)

Gene: MCCC1 (methylcrotonyl-CoA carboxylase subunit 1; minus strand). Cytogenetic location: 3q27.1.
Variant type: single nucleotide variant.
Coding change: c.535G>A on transcript NM_020166.5 (MANE Select); coding-DNA position 535, G replaced by A.
Protein change: p.Glu179Lys; replaces glutamic acid 179 with lysine.
Molecular consequence: missense variant. On other transcripts: non-coding transcript variant (2).
Genome position (GRCh38, 1-based): chr3:183,071,314, C>T on the plus strand (G>A on the coding strand, the complement: MCCC1 is on the minus strand). VCF-style: chr3-183071314-C-T. GRCh37 (hg19) VCF-style: chr3-182789102-C-T.
Other names: c.184G>A, p.Glu62Lys (NM_001293273.2); c.208G>A, p.Glu70Lys (NM_001363880.1); short protein forms E70K, E62K, E179K.
Identifiers: ClinVar variation 641392 (VCV000641392.15), dbSNP rs201758122, ClinGen allele CA2719045.